The following is an entry in ClinVar:

NM_015015.3(KDM4B):c.1357G>A (p.Glu453Lys)

Gene: KDM4B (lysine demethylase 4B; plus strand). Cytogenetic location: 19p13.3.
Variant type: single nucleotide variant.
Coding change: c.1357G>A on transcript NM_015015.3 (MANE Select); coding-DNA position 1357, G replaced by A.
Protein change: p.Glu453Lys; replaces glutamic acid 453 with lysine.
Molecular consequence: missense variant.
Genome position (GRCh38, 1-based): chr19:5,131,117, G>A. VCF-style: chr19-5131117-G-A. GRCh37 (hg19) VCF-style: chr19-5131128-G-A.
Other names: c.1459G>A, p.Glu487Lys (NM_001411148.1); short protein forms E487K, E453K.
Identifiers: ClinVar variation 4999637 (VCV004999637.1).

ClinVar aggregate classification (germline): Uncertain significance (1 of 4 stars; one submission).

Conditions:
KDM4B-related disorder. Also called: KDM4B-related condition.

gnomAD v4.1: 1 of 1,525,584 alleles (0.000066%); highest among the groups gnomAD compares: Non-Finnish European, 0.000088%; no homozygotes.

Submission:

PreventionGenetics, part of Exact Sciences
Classification: Uncertain significance for KDM4B-related condition. Last evaluated: 2024-12-03. Review status: criteria provided, single submitter. Criteria: ACMG Guidelines, 2015. Collection method: clinical testing. Allele origin: germline.
Comment: The KDM4B c.1357G>A variant is predicted to result in the amino acid substitution p.Glu453Lys. To our knowledge, this variant has not been reported in the literature or in a large population database (gnomAD), indicating this variant is rare. At this time, the clinical significance of this variant is uncertain due to the absence of conclusive functional and genetic evidence.